The following is an entry in ClinVar:

NM_152296.5(ATP1A3):c.862G>A (p.Val288Met)

Gene: ATP1A3 (ATPase Na+/K+ transporting subunit alpha 3; minus strand). Cytogenetic location: 19q13.2.
Variant type: single nucleotide variant.
Coding change: c.862G>A on transcript NM_152296.5 (MANE Select); coding-DNA position 862, G replaced by A.
Protein change: p.Val288Met; replaces valine 288 with methionine.
Molecular consequence: missense variant.
Genome position (GRCh38, 1-based): chr19:41,985,049, C>T on the plus strand (G>A on the coding strand, the complement: ATP1A3 is on the minus strand). VCF-style: chr19-41985049-C-T. GRCh37 (hg19) VCF-style: chr19-42489201-C-T.
Other names: c.895G>A, p.Val299Met (NM_001256213.2); c.901G>A, p.Val301Met (NM_001256214.2); short protein forms V288M, V299M, V301M.
Identifiers: ClinVar variation 2793899 (VCV002793899.3), dbSNP rs569214661, ClinGen allele CA9467767.

ClinVar aggregate classification (germline): Uncertain significance (1 of 4 stars; one submission).

Conditions:
Dystonia 12 (DYT12). Also called: DYT-ATP1A3; Rapid-Onset Dystonia-Parkinsonism (RDP). Identifiers: Orphanet 71517, MedGen C1868681, MONDO:0007496, OMIM 128235.

Allele frequency attached by ClinVar (database versions not stated): gnomAD exomes below 0.00001; gnomAD 0.00001; 1000 Genomes Project 0.00020; 1000 Genomes Project 30x 0.00031.
gnomAD v4.1: 6 of 1,613,948 alleles (0.00037%); highest among the groups gnomAD compares: African/African-American, 0.0027%; no homozygotes.

Submission:

Labcorp Genetics (formerly Invitae), Labcorp
Classification: Uncertain significance for Dystonia 12. Last evaluated: 2023-09-06. Review status: criteria provided, single submitter. Criteria: Invitae Variant Classification Sherloc (09022015). Collection method: clinical testing. Allele origin: germline.
Comment: This sequence change replaces valine, which is neutral and non-polar, with methionine, which is neutral and non-polar, at codon 288 of the ATP1A3 protein (p.Val288Met). This variant is present in population databases (rs569214661, gnomAD 0.007%). This variant has not been reported in the literature in individuals affected with ATP1A3-related conditions. Advanced modeling of protein sequence and biophysical properties (such as structural, functional, and spatial information, amino acid conservation, physicochemical variation, residue mobility, and thermodynamic stability) performed at Invitae indicates that this missense variant is expected to disrupt ATP1A3 protein function. In summary, the available evidence is currently insufficient to determine the role of this variant in disease. Therefore, it has been classified as a Variant of Uncertain Significance.